The following is an entry in ClinVar:

NM_022893.4(BCL11A):c.1576_1579del (p.Glu526fs)

Gene: BCL11A (BCL11 transcription factor A; minus strand). Cytogenetic location: 2p16.1.
Variant type: Deletion.
Coding change: c.1576_1579del on transcript NM_022893.4 (MANE Select); coding-DNA positions 1576 to 1579, 4 bases deleted (GAGA; older notation c.1576_1579delGAGA).
Protein change: p.Glu526fs; shifts the reading frame from glutamic acid 526.
Molecular consequence: frameshift variant. On other transcripts: intron variant (6).
Genome position (GRCh38, 1-based): chr2:60,461,333-60,461,336, TCTC deleted on the plus strand (GAGA on the coding strand, the reverse complement: BCL11A is on the minus strand). VCF-style (leftmost placement, unchanged base first): chr2-60461332-TTCTC-T. GRCh37 (hg19) VCF-style: chr2-60688467-TTCTC-T.
Other names: c.1474_1477del, p.Glu492fs (NM_001363864.1, NM_001365609.1, NM_001405711.1 and 2 more transcripts); c.1576_1579del, p.Glu526fs (NM_001405708.1, NM_001405709.1, NM_001405710.1 and 1 more transcripts); c.1420_1423del, p.Glu474fs (NM_001405713.1, NM_001405714.1, NM_001405715.1 and 3 more transcripts); c.1120_1123del, p.Glu374fs (NM_001405725.1, NM_001405726.1, NM_001405727.1 and 1 more transcripts); c.883_886del, p.Glu295fs (NM_001405729.1); c.1039_1042del, p.Glu347fs (NM_001405730.1); c.583_586del, p.Glu195fs (NM_001405731.1); c.630+946_630+949del (NM_138559.2, NM_001405732.1); and 5 more; short protein forms E195fs, E295fs, E347fs, E374fs, E415fs, E440fs, E474fs, E492fs.
Identifiers: ClinVar variation 3775480 (VCV003775480.1).

ClinVar aggregate classification (germline): Pathogenic (1 of 4 stars; one submission).

Conditions:
Dias-Logan syndrome. Also called: INTELLECTUAL DEVELOPMENTAL DISORDER WITH HEREDITARY PERSISTENCE OF FETAL HEMOGLOBIN; Intellectual developmental disorder with persistence of fetal hemoglobin. Identifiers: Orphanet 619233, MedGen C4310833, MONDO:0014914, OMIM 617101.

Submission:

3billion
Classification: Pathogenic for Dias-Logan syndrome. Last evaluated: 2024-02-05. Review status: criteria provided, single submitter. Criteria: ACMG Guidelines, 2015. Collection method: clinical testing. Allele origin: germline. Affected: yes.
Comment: The variant is not observed in the gnomAD v2.1.1 dataset. Predicted Consequence/Location: Frameshift: predicted to result in a loss or disruption of normal protein function through protein truncation. Multiple pathogenic variants are reported in the predicted truncated region. Therefore, this variant is classified as Pathogenic according to the recommendation of ACMG/AMP guideline.